The following is an entry in ClinVar:

NM_000553.6(WRN):c.406G>A (p.Ala136Thr)

Gene: WRN (WRN RecQ like helicase; plus strand). Cytogenetic location: 8p12.
Variant type: single nucleotide variant.
Coding change: c.406G>A on transcript NM_000553.6 (MANE Select); coding-DNA position 406, G replaced by A.
Protein change: p.Ala136Thr; replaces alanine 136 with threonine.
Molecular consequence: missense variant.
Genome position (GRCh38, 1-based): chr8:31,064,965, G>A. VCF-style: chr8-31064965-G-A. GRCh37 (hg19) VCF-style: chr8-30922481-G-A.
Other names: short protein forms A136T.
Identifiers: ClinVar variation 569778 (VCV000569778.12), dbSNP rs17847582, ClinGen allele CA4704059.

ClinVar aggregate classification (germline): Uncertain significance. Review status: criteria provided, multiple submitters, no conflicts (2 of 4 stars). 3 submissions from 3 submitters: Uncertain significance (3). Last evaluated 2025-11-08.

Conditions:
Werner syndrome (WRN). Identifiers: Orphanet 902, MedGen C0043119, MONDO:0010196, OMIM 277700.

Allele frequency attached by ClinVar (database versions not stated): TOPMed below 0.00001; gnomAD 0.00001; ExAC 0.00002; gnomAD exomes 0.00002 and 0.00006.
gnomAD v4.1: 82 of 1,613,562 alleles (0.0051%); highest among the groups gnomAD compares: East Asian, 0.18%; no homozygotes.

Submissions (3):

Labcorp Genetics (formerly Invitae), Labcorp
Classification: Uncertain significance for Werner syndrome. Last evaluated: 2025-11-08. Review status: criteria provided, single submitter. Criteria: Invitae Variant Classification Sherloc (09022015). Collection method: clinical testing. Allele origin: germline.
Comment: This sequence change replaces alanine, which is neutral and non-polar, with threonine, which is neutral and polar, at codon 136 of the WRN protein (p.Ala136Thr). This variant is present in population databases (rs17847582, gnomAD 0.02%). This variant has not been reported in the literature in individuals affected with WRN-related conditions. ClinVar contains an entry for this variant (Variation ID: 569778). An algorithm developed to predict the effect of missense changes on protein structure and function (PolyPhen-2) suggests that this variant is likely to be disruptive. In summary, the available evidence is currently insufficient to determine the role of this variant in disease. Therefore, it has been classified as a Variant of Uncertain Significance.

Fulgent Genetics
Classification: Uncertain significance for Werner syndrome. Last evaluated: 2024-05-05. Review status: criteria provided, single submitter. Criteria: ACMG Guidelines, 2015. Collection method: clinical testing. Allele origin: germline.

Illumina Laboratory Services, Illumina
Classification: Uncertain significance for Werner syndrome. Last evaluated: 2017-04-27. Review status: criteria provided, single submitter. Criteria: ICSL Variant Classification Criteria 13 December 2019. Collection method: clinical testing. Allele origin: germline.